The following is an entry in ClinVar:

ClinVar aggregate classification (germline): Uncertain significance (1 of 4 stars; one submission).

Conditions:
Immunodeficiency 104. Also called: SCID, AUTOSOMAL RECESSIVE, T CELL-NEGATIVE, B CELL-POSITIVE, NK CELL-POSITIVE; IMMUNODEFICIENCY 104, SEVERE COMBINED; Severe Combined Immune Deficiency, Autosomal Recessive, TCell -Negative, B Cell-Positive, NK Cell-Positive, IL7R-Related; Severe combined immunodeficiency, autosomal recessive, T cell-negative, B cell-positive, NK cell-positive. Identifiers: MedGen C5676890, MONDO:0012163, OMIM 608971.

Allele frequency attached by ClinVar (database versions not stated): gnomAD exomes below 0.00001 and 0.00001; ExAC 0.00001; gnomAD 0.00001; 1000 Genomes Project 30x 0.00016; 1000 Genomes Project 0.00020.
gnomAD v4.1: 12 of 1,612,880 alleles (0.00074%); highest among the groups gnomAD compares: Middle Eastern, 0.017%; no homozygotes.

Submission:

Labcorp Genetics (formerly Invitae), Labcorp
Classification: Uncertain significance for Immunodeficiency 104. Last evaluated: 2022-03-18. Review status: criteria provided, single submitter. Criteria: Invitae Variant Classification Sherloc (09022015). Collection method: clinical testing. Allele origin: germline.
Comment: This sequence change replaces serine, which is neutral and polar, with phenylalanine, which is neutral and non-polar, at codon 1139 of the PTPRC protein (p.Ser1139Phe). This variant is present in population databases (rs549131091, gnomAD 0.007%). This variant has not been reported in the literature in individuals affected with PTPRC-related conditions. Algorithms developed to predict the effect of missense changes on protein structure and function (SIFT, PolyPhen-2, Align-GVGD) all suggest that this variant is likely to be disruptive. In summary, the available evidence is currently insufficient to determine the role of this variant in disease. Therefore, it has been classified as a Variant of Uncertain Significance.

NM_002838.5(PTPRC):c.3416C>T (p.Ser1139Phe)

Gene: PTPRC (protein tyrosine phosphatase receptor type C; plus strand). Cytogenetic location: 1q32.1.
Variant type: single nucleotide variant.
Coding change: c.3416C>T on transcript NM_002838.5 (MANE Select); coding-DNA position 3416, C replaced by T.
Protein change: p.Ser1139Phe; replaces serine 1139 with phenylalanine.
Molecular consequence: missense variant.
Genome position (GRCh38, 1-based): chr1:198,752,679, C>T. VCF-style: chr1-198752679-C-T. GRCh37 (hg19) VCF-style: chr1-198721808-C-T.
Other names: c.2933C>T, p.Ser978Phe (NM_080921.4); short protein forms S978F, S1139F.
Identifiers: ClinVar variation 1445525 (VCV001445525.5), dbSNP rs549131091, ClinGen allele CA1315441.